The following is an entry in ClinVar:

ClinVar aggregate classification (germline): Uncertain significance (1 of 4 stars; one submission).

gnomAD v4.1: 3 of 1,612,176 alleles (0.00019%); highest among the groups gnomAD compares: South Asian, 0.0022%; no homozygotes.

Submission:

GeneDx
Classification: Uncertain significance. Last evaluated: 2024-01-10. Review status: criteria provided, single submitter. Criteria: GeneDx Variant Classification Process June 2021. Collection method: clinical testing. Allele origin: germline. Affected: yes.
Comment: Not observed at significant frequency in large population cohorts (gnomAD); In silico analysis supports that this missense variant does not alter protein structure/function; Has not been previously published as pathogenic or benign to our knowledge

NM_001128840.3(CACNA1D):c.7A>G (p.Met3Val)

Gene: CACNA1D (calcium voltage-gated channel subunit alpha1 D; plus strand). Cytogenetic location: 3p21.1.
Variant type: single nucleotide variant.
Coding change: c.7A>G on transcript NM_001128840.3 (MANE Select); coding-DNA position 7, A replaced by G.
Protein change: p.Met3Val; replaces methionine 3 with valine.
Molecular consequence: missense variant.
Genome position (GRCh38, 1-based): chr3:53,495,173, A>G. VCF-style: chr3-53495173-A-G. GRCh37 (hg19) VCF-style: chr3-53529200-A-G.
Other names: c.7A>G, p.Met3Val (NM_000720.4, NM_001128839.3); short protein forms M3V.
Identifiers: ClinVar variation 3367791 (VCV003367791.1).